The following is an entry in ClinVar:

ClinVar aggregate classification (germline): Uncertain significance. Review status: criteria provided, single submitter (1 of 4 stars). 2 submissions from 2 submitters: Uncertain significance (1). 1 of the submissions does not count toward it. Last evaluated 2023-12-01.

Conditions:
FG syndrome 1 (OKS). Also called: KELLER SYNDROME; MENTAL RETARDATION, LARGE HEAD, IMPERFORATE ANUS, CONGENITAL HYPOTONIA, AND PARTIAL AGENESIS OF CORPUS CALLOSUM; OPITZ-KAVEGGIA SYNDROME; FG Syndrome Type 1 (FGS1). Identifiers: Orphanet 93932, MedGen C5399762, MONDO:0010590, OMIM 305450.

Submissions (2):

CeGaT Center for Human Genetics Tuebingen
Classification: Uncertain significance. Last evaluated: 2023-12-01. Review status: criteria provided, single submitter. Criteria: CeGaT Center For Human Genetics Tuebingen Variant Classification Criteria Version 2. Collection method: clinical testing. Allele origin: germline. Affected: yes. Observed: 1 variant allele.
Comment: MED12: PM2, PP2

GeneReviews
No classification provided. Condition: FG syndrome. Review status: no classification provided. Collection method: literature only. Allele origin: germline. Not counted in ClinVar's aggregate classification.

Literature cited by the submitters: PubMed 33244165 (cited by GeneReviews); PubMed 20301719 (cited by GeneReviews).

NM_005120.3(MED12):c.4400G>A (p.Arg1467Gln)

Gene: MED12 (mediator complex subunit 12; plus strand). Cytogenetic location: Xq13.1.
Variant type: single nucleotide variant.
Coding change: c.4400G>A on transcript NM_005120.3 (MANE Select); coding-DNA position 4400, G replaced by A.
Protein change: p.Arg1467Gln; replaces arginine 1467 with glutamine.
Molecular consequence: missense variant.
Genome position (GRCh38, 1-based): chrX:71,132,523, G>A. VCF-style: chrX-71132523-G-A. GRCh37 (hg19) VCF-style: chrX-70352373-G-A.
Other names: short protein forms R1467Q.
Identifiers: ClinVar variation 1210247 (VCV001210247.24), dbSNP rs1488533087, ClinGen allele CA413527017.
Genomic context (GRCh38, chrX:71,132,523, plus strand): 5'-CTGGGGAAGAATTGGAGAAGGGTCAGCACCTGGGTTCCTCTTCACGCAAAGAACGTGATC[G>A]ACAAAAGCAGAAGAGGTAAAGGGGCTTAGGGAGTGGACCAAGATTGAGGGGTAGAAAGGA-3'
Protein context (NP_005111.2, residues 1457-1477): LGSSSRKERD[Arg1467Gln]QKQKSMSLLS